The following is an entry in ClinVar:

NM_004946.3(DOCK2):c.866A>G (p.Asn289Ser)

Genes: DOCK2 (dedicator of cytokinesis 2; plus strand), LOC126807589 (BRD4-independent group 4 enhancer GRCh37_chr5:169122482-169123681; plus strand). Cytogenetic location: 5q35.1.
Variant type: single nucleotide variant.
Coding change: c.866A>G on transcript NM_004946.3 (MANE Select); coding-DNA position 866, A replaced by G.
Protein change: p.Asn289Ser; replaces asparagine 289 with serine.
Molecular consequence: missense variant. On other transcripts: non-coding transcript variant (1).
Genome position (GRCh38, 1-based): chr5:169,695,825, A>G. VCF-style: chr5-169695825-A-G. GRCh37 (hg19) VCF-style: chr5-169122829-A-G.
Other names: short protein forms N289S.
Identifiers: ClinVar variation 864570 (VCV000864570.10), dbSNP rs1250790966, ClinGen allele CA362104648.

ClinVar aggregate classification (germline): Uncertain significance (1 of 4 stars; one submission).

Conditions:
DOCK2 deficiency. Also called: Immunodeficiency 40. Identifiers: Orphanet 447737, MedGen C4225328, MONDO:0014637, OMIM 616433.

Allele frequency attached by ClinVar (database versions not stated): gnomAD exomes below 0.00001; gnomAD 0.00001; TOPMed 0.00001.
gnomAD v4.1: 3 of 1,614,002 alleles (0.00019%); highest among the groups gnomAD compares: East Asian, 0.0022%; no homozygotes.

Submission:

Labcorp Genetics (formerly Invitae), Labcorp
Classification: Uncertain significance for DOCK2 deficiency. Last evaluated: 2021-03-24. Review status: criteria provided, single submitter. Criteria: Invitae Variant Classification Sherloc (09022015). Collection method: clinical testing. Allele origin: germline.
Comment: This sequence change replaces asparagine with serine at codon 289 of the DOCK2 protein (p.Asn289Ser). The asparagine residue is moderately conserved and there is a small physicochemical difference between asparagine and serine. In summary, the available evidence is currently insufficient to determine the role of this variant in disease. Therefore, it has been classified as a Variant of Uncertain Significance. Algorithms developed to predict the effect of missense changes on protein structure and function (SIFT, PolyPhen-2, Align-GVGD) all suggest that this variant is likely to be tolerated, but these predictions have not been confirmed by published functional studies and their clinical significance is uncertain. This variant has not been reported in the literature in individuals with DOCK2-related conditions. This variant is not present in population databases (ExAC no frequency).